The following is an entry in ClinVar:

ClinVar aggregate classification (germline): Conflicting classifications of pathogenicity. Review status: criteria provided, conflicting classifications (1 of 4 stars). 3 submissions from 3 submitters: Uncertain significance (2); Likely benign (1). Last evaluated 2025-08-23.

Conditions:
Inborn genetic diseases. Identifiers: MedGen C0950123, MeSH D030342.

Allele frequency attached by ClinVar (database versions not stated): gnomAD exomes 0.00001; TOPMed 0.00001; ExAC 0.00002.
gnomAD v4.1: 16 of 1,614,182 alleles (0.00099%); highest among the groups gnomAD compares: Admixed American, 0.0017%; no homozygotes.

Submissions (3):

Labcorp Genetics (formerly Invitae), Labcorp
Classification: Uncertain significance. Last evaluated: 2025-08-23. Review status: criteria provided, single submitter. Criteria: Invitae Variant Classification Sherloc (09022015). Collection method: clinical testing. Allele origin: germline.
Comment: This sequence change replaces threonine, which is neutral and polar, with alanine, which is neutral and non-polar, at codon 2086 of the BPTF protein (p.Thr2086Ala). This variant is present in population databases (rs749160366, gnomAD 0.004%). This variant has not been reported in the literature in individuals affected with BPTF-related conditions. ClinVar contains an entry for this variant (Variation ID: 2597214). An algorithm developed to predict the effect of missense changes on protein structure and function outputs the following: PolyPhen-2: "Benign". The alanine amino acid residue is found in multiple mammalian species, which suggests that this missense change does not adversely affect protein function. In summary, the available evidence is currently insufficient to determine the role of this variant in disease. Therefore, it has been classified as a Variant of Uncertain Significance.

Laboratory of Genetics, Children's Clinical University Hospital Latvia
Classification: Likely benign. Last evaluated: 2025-02-16. Review status: criteria provided, single submitter. Criteria: ACMG Guidelines, 2015. Collection method: clinical testing. Allele origin: germline. Affected: yes.

Ambry Genetics
Classification: Uncertain significance for Inborn genetic diseases. Last evaluated: 2023-08-22. Review status: criteria provided, single submitter. Criteria: Ambry Variant Classification Scheme 2023. Collection method: clinical testing. Allele origin: germline.

NM_182641.4(BPTF):c.5878A>G (p.Thr1960Ala)

Gene: BPTF (bromodomain PHD finger transcription factor; plus strand). Cytogenetic location: 17q24.2.
Variant type: single nucleotide variant.
Coding change: c.5878A>G on transcript NM_182641.4 (MANE Select); coding-DNA position 5878, A replaced by G.
Protein change: p.Thr1960Ala; replaces threonine 1960 with alanine.
Molecular consequence: missense variant.
Genome position (GRCh38, 1-based): chr17:67,928,481, A>G. VCF-style: chr17-67928481-A-G. GRCh37 (hg19) VCF-style: chr17-65924597-A-G.
Other names: c.6256A>G, p.Thr2086Ala (NM_004459.7); short protein forms T2086A, T1960A.
Identifiers: ClinVar variation 2597214 (VCV002597214.4), dbSNP rs749160366, ClinGen allele CA8726055.